The following is an entry in ClinVar:

NM_000540.3(RYR1):c.2224G>A (p.Val742Met)

Gene: RYR1 (ryanodine receptor 1; plus strand). Cytogenetic location: 19q13.2.
Variant type: single nucleotide variant.
Coding change: c.2224G>A on transcript NM_000540.3 (MANE Select); coding-DNA position 2224, G replaced by A.
Protein change: p.Val742Met; replaces valine 742 with methionine.
Molecular consequence: missense variant.
Genome position (GRCh38, 1-based): chr19:38,459,202, G>A. VCF-style: chr19-38459202-G-A. GRCh37 (hg19) VCF-style: chr19-38949842-G-A.
Other names: c.2224G>A, p.Val742Met (NM_001042723.2); short protein forms V742M.
Identifiers: ClinVar variation 590498 (VCV000590498.11), dbSNP rs1364240080, ClinGen allele CA405627724.

ClinVar aggregate classification (germline): Conflicting classifications of pathogenicity. Review status: criteria provided, conflicting classifications (1 of 4 stars). 6 submissions from 6 submitters: Likely pathogenic (1); Uncertain significance (5). Last evaluated 2025-05-01.

Conditions:
Malignant hyperthermia, susceptibility to, 1 (MHS1). Also called: Anesthesia related hyperthermia; Malignant hyperpyrexia; Fulminating hyperpyrexia; Pharmacogenic myopathy; RYR1-Related Malignant Hyperthermia Susceptibility; Malignant hyperthermia suceptibility 1. Identifiers: Orphanet 423, MedGen C2930980, MONDO:0007783, OMIM 145600.
RYR1-related disorder. Also called: RYR1-related disorders; RYR1-related condition. Identifiers: MedGen CN239331.

Allele frequency attached by ClinVar (database versions not stated): gnomAD exomes below 0.00001; TOPMed below 0.00001.
gnomAD v4.1: 3 of 1,614,160 alleles (0.00019%); highest among the groups gnomAD compares: Non-Finnish European, 0.00025%; no homozygotes.

Submissions (6):

Labcorp Genetics (formerly Invitae), Labcorp
Classification: Uncertain significance for RYR1-related disorder. Last evaluated: 2025-05-01. Review status: criteria provided, single submitter. Criteria: Invitae Variant Classification Sherloc (09022015). Collection method: clinical testing. Allele origin: germline.
Comment: This sequence change replaces valine, which is neutral and non-polar, with methionine, which is neutral and non-polar, at codon 742 of the RYR1 protein (p.Val742Met). This variant is not present in population databases (gnomAD no frequency). This missense change has been observed in individual(s) with RYR1-related disorders (PMID: 32236737). ClinVar contains an entry for this variant (Variation ID: 590498). Invitae Evidence Modeling of protein sequence and biophysical properties (such as structural, functional, and spatial information, amino acid conservation, physicochemical variation, residue mobility, and thermodynamic stability) indicates that this missense variant is expected to disrupt RYR1 protein function with a positive predictive value of 95%. In summary, the available evidence is currently insufficient to determine the role of this variant in disease. Therefore, it has been classified as a Variant of Uncertain Significance.

Revvity Omics, Revvity
Classification: Likely pathogenic. Last evaluated: 2023-09-15. Review status: criteria provided, single submitter. Criteria: ACMG Guidelines, 2015. Collection method: clinical testing. Allele origin: germline.

All of Us Research Program, National Institutes of Health
Classification: Uncertain significance for Malignant hyperthermia, susceptibility to, 1. Last evaluated: 2023-08-23. Review status: criteria provided, single submitter. Criteria: ACMG Guidelines, 2015. Collection method: clinical testing. Allele origin: germline. Inheritance: Autosomal dominant inheritance. Observed: 1 variant allele, 1 heterozygote.
Comment: This missense variant replaces valine with methionine at codon 742 of the RYR1 protein. Computational prediction suggests that this variant may have deleterious impact on protein structure and function (internally defined REVEL score threshold >= 0.7, PMID: 27666373). To our knowledge, functional studies have not been reported for this variant. This variant has not been reported in individuals affected with RYR1-related disorders in the literature. This variant has not been identified in the general population by the Genome Aggregation Database (gnomAD). The available evidence is insufficient to determine the role of this variant in disease conclusively. Therefore, this variant is classified as a Variant of Uncertain Significance.

This study involves interpretation of variants in research participants for the purpose of population health screening. Participant phenotype was not available at the time of variant classification. Additional details can be found in publication PMID: 35346344, PMCID: PMC8962531

Color Diagnostics, LLC DBA Color Health
Classification: Uncertain significance for Malignant hyperthermia, susceptibility to, 1. Last evaluated: 2023-08-11. Review status: criteria provided, single submitter. Criteria: ACMG Guidelines, 2015. Collection method: clinical testing. Allele origin: germline.
Comment: This missense variant replaces valine with methionine at codon 742 of the RYR1 protein. Computational prediction suggests that this variant may have deleterious impact on protein structure and function. To our knowledge, functional studies have not been reported for this variant. This variant has not been reported in individuals affected with RYR1-related disorders in the literature. This variant has not been identified in the general population by the Genome Aggregation Database (gnomAD). The available evidence is insufficient to determine the role of this variant in disease conclusively. Therefore, this variant is classified as a Variant of Uncertain Significance.

Mayo Clinic Laboratories, Mayo Clinic
Classification: Uncertain significance. Last evaluated: 2020-08-17. Review status: criteria provided, single submitter. Criteria: ACMG Guidelines, 2015. Collection method: clinical testing. Allele origin: germline. Observed: 1 variant allele.

PreventionGenetics, part of Exact Sciences
Classification: Uncertain significance. Last evaluated: 2015-07-22. Review status: criteria provided, single submitter. Criteria: ACMG Guidelines, 2015. Collection method: clinical testing. Allele origin: germline.

Literature cited by the submitters: PubMed 32236737 (cited by Labcorp Genetics (formerly Invitae), Labcorp).